The following is an entry in ClinVar:

NM_000548.5(TSC2):c.4893C>T (p.Asp1631=)

Gene: TSC2 (TSC complex subunit 2; plus strand). Cytogenetic location: 16p13.3.
Variant type: single nucleotide variant.
Coding change: c.4893C>T on transcript NM_000548.5 (MANE Select); coding-DNA position 4893, C replaced by T.
Protein change: p.Asp1631=; no amino-acid change (aspartic acid 1631 retained).
Molecular consequence: synonymous variant.
Genome position (GRCh38, 1-based): chr16:2,086,775, C>T. VCF-style: chr16-2086775-C-T. GRCh37 (hg19) VCF-style: chr16-2136776-C-T.
Other names: c.4692C>T, p.Asp1564= (NM_001077183.3); c.4824C>T, p.Asp1608= (NM_001114382.3); c.4584C>T, p.Asp1528= (NM_001318827.2); c.4548C>T, p.Asp1516= (NM_001318829.2); c.4161C>T, p.Asp1387= (NM_001318831.2); c.4725C>T, p.Asp1575= (NM_001318832.2); c.4695C>T, p.Asp1565= (NM_001363528.2); c.4761C>T, p.Asp1587= (NM_001370404.1); and 2 more.
Identifiers: ClinVar variation 761426 (VCV000761426.16), dbSNP rs772915632, ClinGen allele CA053030.
Genomic context (GRCh38, chr16:2,086,775, plus strand): 5'-GCCCTGCTCACCCTCAGCCGTCTTCCACATCGCCACCCTGATGCCCACCAAGGACGTGGA[C>T]AAGCACCGCTGCGACAAGAAGCGCCACCTGGGCAACGACTTTGTGTCCATTGTCTACAAT-3'
Protein context (NP_000539.2, residues 1621-1641): IATLMPTKDV[Asp1631=]KHRCDKKRHL

ClinVar aggregate classification (germline): Benign/Likely benign. Review status: criteria provided, multiple submitters, no conflicts (2 of 4 stars). 5 submissions from 5 submitters: Benign (1); Likely benign (4). Last evaluated 2025-06-21.

Conditions:
Hereditary cancer-predisposing syndrome. Also called: Hereditary neoplastic syndrome; Neoplastic Syndromes, Hereditary; Hereditary Cancer Syndrome; Tumor predisposition. Identifiers: Orphanet 140162, MedGen C0027672, MeSH D009386, MONDO:0015356.
Tuberous sclerosis 2 (TSC2). Identifiers: Orphanet 805, MedGen C1860707, MONDO:0013199, OMIM 613254.
TSC2-related disorder. Also called: TSC2-Related Disorders; TSC2-related condition.

Allele frequency attached by ClinVar (database versions not stated): gnomAD exomes below 0.00001; ExAC 0.00001; gnomAD 0.00001; TOPMed 0.00001.
gnomAD v4.1: 6 of 1,611,338 alleles (0.00037%); highest among the groups gnomAD compares: African/African-American, 0.0053%; no homozygotes.

Submissions (5):

PreventionGenetics, part of Exact Sciences
Classification: Likely benign for TSC2-related condition. Last evaluated: 2025-06-21. Review status: criteria provided, single submitter. Criteria: ACMG Guidelines, 2015. Collection method: clinical testing. Allele origin: germline.
Comment: This variant is classified as likely benign based on ACMG/AMP sequence variant interpretation guidelines (Richards et al. 2015 PMID: 25741868, with internal and published modifications).

Myriad Genetics, Inc.
Classification: Benign for Tuberous sclerosis 2. Last evaluated: 2025-06-05. Review status: criteria provided, single submitter. Criteria: Myriad Autosomal Dominant, Autosomal Recessive and X-Linked Classification Criteria (2023). Collection method: clinical testing. Allele origin: unknown.
Comment: This variant is considered benign. This variant is a silent/synonymous amino acid change and it is not expected to impact splicing.

Labcorp Genetics (formerly Invitae), Labcorp
Classification: Likely benign for Tuberous sclerosis 2. Last evaluated: 2024-12-09. Review status: criteria provided, single submitter. Criteria: Invitae Variant Classification Sherloc (09022015). Collection method: clinical testing. Allele origin: germline.

Sema4
Classification: Likely benign for Hereditary cancer-predisposing syndrome. Last evaluated: 2021-01-07. Review status: criteria provided, single submitter. Criteria: Sema4 Curation Guidelines. Collection method: curation. Allele origin: germline.

Ambry Genetics
Classification: Likely benign for Hereditary cancer-predisposing syndrome. Last evaluated: 2020-02-24. Review status: criteria provided, single submitter. Criteria: Ambry Variant Classification Scheme 2023. Collection method: clinical testing. Allele origin: germline.